The following is an entry in ClinVar:

NM_000541.5(SAG):c.842C>T (p.Thr281Met)

Gene: SAG (S-antigen visual arrestin; plus strand). Cytogenetic location: 2q37.1.
Variant type: single nucleotide variant.
Coding change: c.842C>T on transcript NM_000541.5 (MANE Select); coding-DNA position 842, C replaced by T.
Protein change: p.Thr281Met; replaces threonine 281 with methionine.
Molecular consequence: missense variant.
Genome position (GRCh38, 1-based): chr2:233,334,997, C>T. VCF-style: chr2-233334997-C-T. GRCh37 (hg19) VCF-style: chr2-234243643-C-T.
Other names: c.842C>T (NM_000541.4); short protein forms T281M.
Identifiers: ClinVar variation 1436442 (VCV001436442.11), dbSNP rs759470517, ClinGen allele CA2174561.

ClinVar aggregate classification (germline): Uncertain significance. Review status: criteria provided, multiple submitters, no conflicts (2 of 4 stars). 3 submissions from 3 submitters: Uncertain significance (3). Last evaluated 2025-10-22.

Conditions:
Inborn genetic diseases. Identifiers: MedGen C0950123, MeSH D030342.

Allele frequency attached by ClinVar (database versions not stated): ExAC 0.00002; gnomAD exomes 0.00002.
gnomAD v4.1: 22 of 1,614,032 alleles (0.0014%); highest among the groups gnomAD compares: East Asian, 0.0045%; no homozygotes.

Submissions (3):

Labcorp Genetics (formerly Invitae), Labcorp
Classification: Uncertain significance. Last evaluated: 2025-10-22. Review status: criteria provided, single submitter. Criteria: Invitae Variant Classification Sherloc (09022015). Collection method: clinical testing. Allele origin: germline.
Comment: This sequence change replaces threonine, which is neutral and polar, with methionine, which is neutral and non-polar, at codon 281 of the SAG protein (p.Thr281Met). This variant is present in population databases (rs759470517, gnomAD 0.006%). This variant has not been reported in the literature in individuals affected with SAG-related conditions. ClinVar contains an entry for this variant (Variation ID: 1436442). Invitae Evidence Modeling of protein sequence and biophysical properties (such as structural, functional, and spatial information, amino acid conservation, physicochemical variation, residue mobility, and thermodynamic stability) indicates that this missense variant is not expected to disrupt SAG protein function with a negative predictive value of 80%. In summary, the available evidence is currently insufficient to determine the role of this variant in disease. Therefore, it has been classified as a Variant of Uncertain Significance.

Ambry Genetics
Classification: Uncertain significance for Inborn genetic diseases. Last evaluated: 2024-10-06. Review status: criteria provided, single submitter. Criteria: Ambry Variant Classification Scheme 2023. Collection method: clinical testing. Allele origin: germline.

Blueprint Genetics
Classification: Uncertain significance. Last evaluated: 2018-12-05. Review status: criteria provided, single submitter. Criteria: ACMG Guidelines, 2015. Collection method: clinical testing. Allele origin: germline.